The following is an entry in ClinVar:

NM_003086.4(SNAPC4):c.1413T>G (p.Tyr471Ter)

Gene: SNAPC4 (small nuclear RNA activating complex polypeptide 4; minus strand). Cytogenetic location: 9q34.3.
Variant type: single nucleotide variant.
Coding change: c.1413T>G on transcript NM_003086.4 (MANE Select); coding-DNA position 1413, T replaced by G.
Protein change: p.Tyr471Ter; replaces tyrosine 471 with a stop codon.
Molecular consequence: nonsense.
Genome position (GRCh38, 1-based): chr9:136,384,727, A>C on the plus strand (T>G on the coding strand, the complement: SNAPC4 is on the minus strand). VCF-style: chr9-136384727-A-C. GRCh37 (hg19) VCF-style: chr9-139279179-A-C.
Other names: c.1413T>G, p.Tyr471Ter (NM_001394201.1, NM_001394202.1, NM_001394203.1); short protein forms Y471*.
Identifiers: ClinVar variation 4530842 (VCV004530842.1).

ClinVar aggregate classification (germline): Uncertain significance (1 of 4 stars; one submission).

gnomAD v4.1: 74 of 1,499,786 alleles (0.0049%); highest among the groups gnomAD compares: Non-Finnish European, 0.0068%; no homozygotes.

Submission:

GeneDx
Classification: Uncertain significance. Last evaluated: 2024-09-24. Review status: criteria provided, single submitter. Criteria: GeneDx Variant Classification Process June 2021. Collection method: clinical testing. Allele origin: germline. Affected: yes.
Comment: Nonsense variant predicted to result in protein truncation or nonsense mediated decay in a gene or region of a gene for which loss of function is not a well-established mechanism of disease; Has not been previously published as pathogenic or benign to our knowledge; Variants in candidate genes are classified as variants of uncertain significance in accordance with ACMG guidelines (PMID: 25741868)